The following is an entry in ClinVar:

NM_001128178.3(NPHP1):c.1130A>C (p.Lys377Thr)

Genes: NPHP1 (nephrocystin 1; minus strand), LOC126806306 (P300/CBP strongly-dependent group 1 enhancer GRCh37_chr2:110906815-110908014; plus strand). Cytogenetic location: 2q13.
Variant type: single nucleotide variant.
Coding change: c.1130A>C on transcript NM_001128178.3 (MANE Select); coding-DNA position 1130, A replaced by C.
Protein change: p.Lys377Thr; replaces lysine 377 with threonine.
Molecular consequence: missense variant.
Genome position (GRCh38, 1-based): chr2:110,150,210, T>G on the plus strand (A>C on the coding strand, the complement: NPHP1 is on the minus strand). VCF-style: chr2-110150210-T-G. GRCh37 (hg19) VCF-style: chr2-110907787-T-G.
Other names: c.1298A>C, p.Lys433Thr (NM_000272.5); c.941A>C, p.Lys314Thr (NM_001128179.3); c.1127A>C, p.Lys376Thr (NM_001374256.1); c.1130A>C, p.Lys377Thr (NM_001374257.1); c.1295A>C, p.Lys432Thr (NM_207181.4); short protein forms K433T, K376T, K377T, K314T, K432T.
Identifiers: ClinVar variation 1349548 (VCV001349548.3), dbSNP rs1441711189, ClinGen allele CA348088093.

ClinVar aggregate classification (germline): Uncertain significance (1 of 4 stars; one submission).

Conditions:
Nephronophthisis. Also called: Juvenile Nephronophthisis. Identifiers: Orphanet 655, MedGen C0687120, MONDO:0019005, HP:0000090.

Allele frequency attached by ClinVar (database versions not stated): gnomAD exomes below 0.00001.
gnomAD v4.1: 2 of 1,613,832 alleles (0.00012%); highest among the groups gnomAD compares: Admixed American, 0.0017%; no homozygotes.

Submission:

Labcorp Genetics (formerly Invitae), Labcorp
Classification: Uncertain significance for Nephronophthisis. Last evaluated: 2022-08-08. Review status: criteria provided, single submitter. Criteria: Invitae Variant Classification Sherloc (09022015). Collection method: clinical testing. Allele origin: germline.
Comment: This sequence change replaces lysine, which is basic and polar, with threonine, which is neutral and polar, at codon 433 of the NPHP1 protein (p.Lys433Thr). This variant is not present in population databases (gnomAD no frequency). This variant has not been reported in the literature in individuals affected with NPHP1-related conditions. ClinVar contains an entry for this variant (Variation ID: 1349548). Algorithms developed to predict the effect of missense changes on protein structure and function are either unavailable or do not agree on the potential impact of this missense change (SIFT: "Deleterious"; PolyPhen-2: "Probably Damaging"; Align-GVGD: "Class C0"). In summary, the available evidence is currently insufficient to determine the role of this variant in disease. Therefore, it has been classified as a Variant of Uncertain Significance.